The following is an entry in ClinVar:

ClinVar aggregate classification (germline): Likely benign. Review status: criteria provided, multiple submitters, no conflicts (2 of 4 stars). 2 submissions from 2 submitters: Likely benign (2). Last evaluated 2025-04-01.

Allele frequency attached by ClinVar (database versions not stated): gnomAD 0.00007; 1000 Genomes Project 30x 0.00016; 1000 Genomes Project 0.00020; ESP Exome Variant Server 0.00023.
gnomAD v4.1: 280 of 1,613,816 alleles (0.017%); highest among the groups gnomAD compares: Non-Finnish European, 0.023%; no homozygotes.

Submissions (2):

CeGaT Center for Human Genetics Tuebingen
Classification: Likely benign. Last evaluated: 2025-04-01. Review status: criteria provided, single submitter. Criteria: CeGaT Center For Human Genetics Tuebingen Variant Classification Criteria Version 2. Collection method: clinical testing. Allele origin: germline. Affected: yes. Observed: 2 variant alleles.
Comment: KANK1: BP4, BP7

Labcorp Genetics (formerly Invitae), Labcorp
Classification: Likely benign. Last evaluated: 2023-02-10. Review status: criteria provided, single submitter. Criteria: Invitae Variant Classification Sherloc (09022015). Collection method: clinical testing. Allele origin: germline.

NM_015158.5(KANK1):c.792C>T (p.Arg264=)

Gene: KANK1 (KN motif and ankyrin repeat domains 1; plus strand). Cytogenetic location: 9p24.3.
Variant type: single nucleotide variant.
Coding change: c.792C>T on transcript NM_015158.5 (MANE Select); coding-DNA position 792, C replaced by T.
Protein change: p.Arg264=; no amino-acid change (arginine 264 retained).
Molecular consequence: synonymous variant. On other transcripts: non-coding transcript variant (1).
Genome position (GRCh38, 1-based): chr9:711,558, C>T. VCF-style: chr9-711558-C-T. GRCh37 (hg19) VCF-style: chr9-711558-C-T.
Other names: c.792C>T, p.Arg264= (NM_001256876.3, NM_001256877.3, NM_001354331.2 and 2 more transcripts); c.318C>T, p.Arg106= (NM_001354333.2, NM_001354335.2, NM_001354336.2 and 9 more transcripts).
Identifiers: ClinVar variation 2716462 (VCV002716462.20), dbSNP rs138368734, ClinGen allele CA4960046.